The following is an entry in ClinVar:

ClinVar aggregate classification (germline): Uncertain significance (1 of 4 stars; one submission).

Conditions:
Nemaline myopathy 8 (NEM8). Also called: Nemaline myopathy 8, autosomal recessive. Identifiers: Orphanet 171430, MedGen C3809209, MONDO:0014138, OMIM 615348.

Submission:

Labcorp Genetics (formerly Invitae), Labcorp
Classification: Uncertain significance for Nemaline myopathy 8. Last evaluated: 2023-05-23. Review status: criteria provided, single submitter. Criteria: Invitae Variant Classification Sherloc (09022015). Collection method: clinical testing. Allele origin: germline.
Comment: In summary, the available evidence is currently insufficient to determine the role of this variant in disease. Therefore, it has been classified as a Variant of Uncertain Significance. Advanced modeling of protein sequence and biophysical properties (such as structural, functional, and spatial information, amino acid conservation, physicochemical variation, residue mobility, and thermodynamic stability) performed at Invitae indicates that this missense variant is not expected to disrupt KLHL40 protein function. ClinVar contains an entry for this variant (Variation ID: 1419043). This variant has not been reported in the literature in individuals affected with KLHL40-related conditions. This variant is not present in population databases (gnomAD no frequency). This sequence change replaces asparagine, which is neutral and polar, with isoleucine, which is neutral and non-polar, at codon 373 of the KLHL40 protein (p.Asn373Ile).

NM_152393.4(KLHL40):c.1118A>T (p.Asn373Ile)

Gene: KLHL40 (kelch like family member 40; plus strand). Cytogenetic location: 3p22.1.
Variant type: single nucleotide variant.
Coding change: c.1118A>T on transcript NM_152393.4 (MANE Select); coding-DNA position 1118, A replaced by T.
Protein change: p.Asn373Ile; replaces asparagine 373 with isoleucine.
Molecular consequence: missense variant.
Genome position (GRCh38, 1-based): chr3:42,686,736, A>T. VCF-style: chr3-42686736-A-T. GRCh37 (hg19) VCF-style: chr3-42728228-A-T.
Other names: short protein forms N373I.
Identifiers: ClinVar variation 1419043 (VCV001419043.7), dbSNP rs779105816, ClinGen allele CA74192156.